The following is an entry in ClinVar:

NM_022089.4(ATP13A2):c.271G>A (p.Glu91Lys)

Gene: ATP13A2 (ATPase cation transporting 13A2; minus strand). Cytogenetic location: 1p36.13.
Variant type: single nucleotide variant.
Coding change: c.271G>A on transcript NM_022089.4 (MANE Select); coding-DNA position 271, G replaced by A.
Protein change: p.Glu91Lys; replaces glutamic acid 91 with lysine.
Molecular consequence: missense variant.
Genome position (GRCh38, 1-based): chr1:17,005,391, C>T on the plus strand (G>A on the coding strand, the complement: ATP13A2 is on the minus strand). VCF-style: chr1-17005391-C-T. GRCh37 (hg19) VCF-style: chr1-17331886-C-T.
Other names: c.271G>A, p.Glu91Lys (NM_001141973.3, NM_001141974.3); short protein forms E91K.
Identifiers: ClinVar variation 2162989 (VCV002162989.28), dbSNP rs778193284, ClinGen allele CA637713.

ClinVar aggregate classification (germline): Uncertain significance. Review status: criteria provided, multiple submitters, no conflicts (2 of 4 stars). 2 submissions from 2 submitters: Uncertain significance (2). Last evaluated 2023-08-01.

Conditions:
Autosomal recessive spastic paraplegia type 78. Identifiers: Orphanet 513436, MedGen C5567893, MONDO:0014975, OMIM 617225.
Kufor-Rakeb syndrome (KRS). Also called: PARKINSON DISEASE 9, AUTOSOMAL RECESSIVE, JUVENILE-ONSET. Identifiers: Orphanet 306674, Orphanet 314632, MedGen C1847640, MONDO:0011706, OMIM 606693.

Allele frequency attached by ClinVar (database versions not stated): gnomAD exomes 0.00001; ExAC 0.00002.
gnomAD v4.1: 14 of 1,605,476 alleles (0.00087%); highest among the groups gnomAD compares: East Asian, 0.0045%; no homozygotes.

Submissions (2):

CeGaT Center for Human Genetics Tuebingen
Classification: Uncertain significance. Last evaluated: 2023-08-01. Review status: criteria provided, single submitter. Criteria: CeGaT Center For Human Genetics Tuebingen Variant Classification Criteria Version 2. Collection method: clinical testing. Allele origin: germline. Affected: yes. Observed: 1 variant allele.
Comment: ATP13A2: PM2

Labcorp Genetics (formerly Invitae), Labcorp
Classification: Uncertain significance for Kufor-Rakeb syndrome; Autosomal recessive spastic paraplegia type 78. Last evaluated: 2022-04-30. Review status: criteria provided, single submitter. Criteria: Invitae Variant Classification Sherloc (09022015). Collection method: clinical testing. Allele origin: germline.
Comment: In summary, the available evidence is currently insufficient to determine the role of this variant in disease. Therefore, it has been classified as a Variant of Uncertain Significance. Advanced modeling of protein sequence and biophysical properties (such as structural, functional, and spatial information, amino acid conservation, physicochemical variation, residue mobility, and thermodynamic stability) performed at Invitae indicates that this missense variant is not expected to disrupt ATP13A2 protein function. This variant has not been reported in the literature in individuals affected with ATP13A2-related conditions. The frequency data for this variant in the population databases is considered unreliable, as metrics indicate poor data quality at this position in the gnomAD database. This sequence change replaces glutamic acid, which is acidic and polar, with lysine, which is basic and polar, at codon 91 of the ATP13A2 protein (p.Glu91Lys).